The following is an entry in ClinVar:

NM_001374828.1(ARID1B):c.2675dup (p.Gln893fs)

Gene: ARID1B (AT-rich interaction domain 1B; plus strand). Cytogenetic location: 6q25.3.
Variant type: Duplication.
Coding change: c.2675dup on transcript NM_001374828.1 (MANE Select); coding-DNA position 2675, one base duplicated (G; older notation c.2675dupG).
Protein change: p.Gln893fs; shifts the reading frame from glutamine 893.
Molecular consequence: frameshift variant.
Genome position (GRCh38, 1-based): chr6:157,133,121, G duplicated; the last of 5 consecutive G bases (chr6:157,133,117-157,133,121); duplicating any one gives the same sequence. VCF-style (leftmost placement, unchanged base first): chr6-157133116-T-TG. GRCh37 (hg19) VCF-style: chr6-157454250-T-TG.
Other names: c.2465dup, p.Gln823fs (NM_020732.3); c.176dup, p.Gln60fs (NM_001363725.2); c.2714dup, p.Gln906fs (NM_001371656.1, NM_001374820.1); c.2675dup, p.Gln893fs (NM_017519.3); short protein forms Q823fs, Q60fs, Q893fs, Q906fs.
Identifiers: ClinVar variation 434380 (VCV000434380.7), dbSNP rs1554301230, ClinGen allele CA645372832.

ClinVar aggregate classification (germline): Pathogenic. Review status: criteria provided, multiple submitters, no conflicts (2 of 4 stars). 2 submissions from 2 submitters: Pathogenic (2). Last evaluated 2025-01-02.

Conditions:
Coffin-Siris syndrome 1 (CSS1). Also called: Mental retardation, autosomal dominant 12; ARID1B-Related Coffin-Siris Syndrome. Identifiers: Orphanet 1465, MedGen C3281201, MONDO:0007617, OMIM 135900. Disease mechanism: gain of function.

Submissions (2):

GeneDx
Classification: Pathogenic. Last evaluated: 2025-01-02. Review status: criteria provided, single submitter. Criteria: GeneDx Variant Classification Process June 2021. Collection method: clinical testing. Allele origin: germline. Affected: yes.
Comment: Identified in a patient with neurodevelopmental disorder (PMID: 37500730); Frameshift variant predicted to result in protein truncation or nonsense mediated decay in a gene for which loss of function is a known mechanism of disease; Not observed at significant frequency in large population cohorts (gnomAD); This variant is associated with the following publications: (PMID: 37500730)

Genetic Services Laboratory, University of Chicago
Classification: Pathogenic for Mental retardation, autosomal dominant 12. Last evaluated: 2015-10-23. Review status: criteria provided, single submitter. Criteria: ACMG Guidelines, 2015. Collection method: clinical testing. Allele origin: germline. Affected: yes.